The following is an entry in ClinVar:

NM_005066.3(SFPQ):c.1428C>T (p.Thr476=)

Gene: SFPQ (splicing factor proline and glutamine rich; minus strand). Cytogenetic location: 1p34.3.
Variant type: single nucleotide variant.
Coding change: c.1428C>T on transcript NM_005066.3 (MANE Select); coding-DNA position 1428, C replaced by T.
Protein change: p.Thr476=; no amino-acid change (threonine 476 retained).
Molecular consequence: synonymous variant. On other transcripts: non-coding transcript variant (2).
Genome position (GRCh38, 1-based): chr1:35,189,370, G>A on the plus strand (C>T on the coding strand, the complement: SFPQ is on the minus strand). VCF-style: chr1-35189370-G-A. GRCh37 (hg19) VCF-style: chr1-35654971-G-A.
Identifiers: ClinVar variation 2672333 (VCV002672333.23), dbSNP rs149351578, ClinGen allele CA757804.

ClinVar aggregate classification (germline): Likely benign (1 of 4 stars; one submission).

Allele frequency attached by ClinVar (database versions not stated): TOPMed 0.00028; 1000 Genomes Project 30x 0.00031; gnomAD 0.00033; 1000 Genomes Project 0.00040; ExAC 0.00046; ESP Exome Variant Server 0.00069.

Submission:

CeGaT Center for Human Genetics Tuebingen
Classification: Likely benign. Last evaluated: 2023-11-01. Review status: criteria provided, single submitter. Criteria: CeGaT Center For Human Genetics Tuebingen Variant Classification Criteria Version 2. Collection method: clinical testing. Allele origin: germline. Affected: yes. Observed: 1 variant allele.
Comment: SFPQ: BP4, BP7